The following continues an entry in ClinVar:

NM_000059.4(BRCA2):c.2330dup (p.Asp777fs)

Gene: BRCA2. ClinVar aggregate classification (germline): Pathogenic. Pathogenic (1).

Submissions 26 to 27 of 27:

Breast Cancer Information Core (BIC) (BRCA2)
Classification: Pathogenic for Breast-ovarian cancer, familial 2. Last evaluated: 2002-05-29. Review status: no assertion criteria provided. Collection method: clinical testing. Allele origin: germline. Affected: yes. Observed: 10 variant alleles. Not counted in ClinVar's aggregate classification.

Department of Pathology and Laboratory Medicine, Sinai Health System
Classification: Pathogenic for Malignant tumor of breast. Review status: no assertion criteria provided. Collection method: clinical testing. Allele origin: unknown. Affected: yes. Study: The Canadian Open Genetics Repository (COGR). Not counted in ClinVar's aggregate classification.
Comment: The p.Asp777GlufsX11 duplication variant was identified in 3 of 1790 proband chromosomes (frequency 0.002) from individuals with breast cancer, ovarian cancer, fallopian tube carcinoma, or prostate cancer (Agoff 2002, Claus 2005, Edwards 2010). The variant was also identified in dbSNP (ID: rs80359328) â€šÃ„ÃºWith pathogenic alleleâ€šÃ„Ã¹, HGMD, LOVD, UMD (2X as a causal variant), and the BIC database (10X with clinical importance). The p.Asp777GlufsX11 duplication variant is predicted to cause a frameshift, which alters the protein's amino acid sequence beginning at codon 777 and leads to a premature stop codon 11 codons downstream. This alteration is then predicted to result in a truncated or absent protein and loss of function. Loss of function variants of the BRCA2 gene are an established mechanism of disease in hereditary breast and ovarian cancer and is the type of variant expected to cause the disorder. In summary, based on the above information, this variant meets our laboratoryâ€šÃ„Ã´s criteria to be classified as pathogenic.

Literature cited by the submitters: PubMed 20104584 (cited by Labcorp Genetics (formerly Invitae), Labcorp); PubMed 11812938 (cited by 6 submitters); PubMed 12414830 (cited by 3 submitters); PubMed 12474142 (cited by 7 submitters); PubMed 24728189 (cited by 6 submitters); PubMed 15382066 (cited by 5 submitters); PubMed 20736950 (cited by 6 submitters); PubMed 22711857 (cited by 5 submitters); PubMed 27406733 (cited by 6 submitters); PubMed 29337092 (cited by 4 submitters); PubMed 29506128 (cited by 6 submitters); PubMed 31853058 (cited by Color Diagnostics, LLC DBA Color Health); PubMed 32354836 (cited by 3 submitters); PubMed 33471991 (cited by 5 submitters); PubMed 33758026 (cited by Quest Diagnostics Nichols Institute San Juan Capistrano); PubMed 36169650 (cited by Quest Diagnostics Nichols Institute San Juan Capistrano); PubMed 29922827 (cited by Quest Diagnostics Nichols Institute San Juan Capistrano); PubMed 28888541 (cited by Quest Diagnostics Nichols Institute San Juan Capistrano); PubMed 36721989 (cited by Quest Diagnostics Nichols Institute San Juan Capistrano); PubMed 31948886 (cited by 3 submitters); PubMed 30883245 (cited by Quest Diagnostics Nichols Institute San Juan Capistrano and Ambry Genetics); PubMed 29446198 (cited by Quest Diagnostics Nichols Institute San Juan Capistrano and Sema4); PubMed 26295337 (cited by Quest Diagnostics Nichols Institute San Juan Capistrano); PubMed 15728167 (cited by Ambry Genetics and Counsyl); PubMed 23569316 (cited by Ambry Genetics and Laboratory for Molecular Medicine, Mass General Brigham Personalized Medicine); PubMed 16539696 (cited by Laboratory for Molecular Medicine, Mass General Brigham Personalized Medicine and Counsyl).